The following is an entry in ClinVar:

ClinVar aggregate classification (germline): Uncertain significance. Review status: criteria provided, multiple submitters, no conflicts (2 of 4 stars). 2 submissions from 2 submitters: Uncertain significance (2). Last evaluated 2025-03-03.

Allele frequency attached by ClinVar (database versions not stated): gnomAD 0.00001 and 0.00003; gnomAD exomes 0.00001 and 0.00005; TOPMed 0.00001; ExAC 0.00004; 1000 Genomes Project 30x 0.00031; 1000 Genomes Project 0.00040.
gnomAD v4.1: 19 of 1,614,186 alleles (0.0012%); highest among the groups gnomAD compares: East Asian, 0.038%; no homozygotes.

Submissions (2):

Labcorp Genetics (formerly Invitae), Labcorp
Classification: Uncertain significance. Last evaluated: 2025-03-03. Review status: criteria provided, single submitter. Criteria: Invitae Variant Classification Sherloc (09022015). Collection method: clinical testing. Allele origin: germline.
Comment: This sequence change replaces proline, which is neutral and non-polar, with threonine, which is neutral and polar, at codon 315 of the RNF31 protein (p.Pro315Thr). This variant is present in population databases (rs549763520, gnomAD 0.08%), and has an allele count higher than expected for a pathogenic variant. This variant has not been reported in the literature in individuals affected with RNF31-related conditions. ClinVar contains an entry for this variant (Variation ID: 1393620). An algorithm developed to predict the effect of missense changes on protein structure and function (PolyPhen-2) suggests that this variant is likely to be tolerated. In summary, the available evidence is currently insufficient to determine the role of this variant in disease. Therefore, it has been classified as a Variant of Uncertain Significance.

Ambry Genetics
Classification: Uncertain significance. Last evaluated: 2021-07-06. Review status: criteria provided, single submitter. Criteria: Ambry Variant Classification Scheme 2023. Collection method: clinical testing. Allele origin: germline.

NM_017999.5(RNF31):c.943C>A (p.Pro315Thr)

Gene: RNF31 (ring finger protein 31; plus strand). Cytogenetic location: 14q12.
Variant type: single nucleotide variant.
Coding change: c.943C>A on transcript NM_017999.5 (MANE Select); coding-DNA position 943, C replaced by A.
Protein change: p.Pro315Thr; replaces proline 315 with threonine.
Molecular consequence: missense variant.
Genome position (GRCh38, 1-based): chr14:24,150,194, C>A. VCF-style: chr14-24150194-C-A. GRCh37 (hg19) VCF-style: chr14-24619403-C-A.
Other names: c.490C>A, p.Pro164Thr (NM_001310332.2); c.943C>A (NM_017999.4); short protein forms P164T, P315T.
Identifiers: ClinVar variation 1393620 (VCV001393620.7), dbSNP rs549763520, ClinGen allele CA7125664.